The following is an entry in ClinVar:

NM_025099.6(CTC1):c.3420G>A (p.Met1140Ile)

Gene: CTC1 (CST telomere replication complex component 1; minus strand). Cytogenetic location: 17p13.1.
Variant type: single nucleotide variant.
Coding change: c.3420G>A on transcript NM_025099.6 (MANE Select); coding-DNA position 3420, G replaced by A.
Protein change: p.Met1140Ile; replaces methionine 1140 with isoleucine.
Molecular consequence: missense variant. On other transcripts: non-coding transcript variant (1).
Genome position (GRCh38, 1-based): chr17:8,228,597, C>T on the plus strand (G>A on the coding strand, the complement: CTC1 is on the minus strand). VCF-style: chr17-8228597-C-T. GRCh37 (hg19) VCF-style: chr17-8131915-C-T.
Other names: short protein forms M1140I.
Identifiers: ClinVar variation 844488 (VCV000844488.10), dbSNP rs554183453, ClinGen allele CA8371774.
Genomic context (GRCh38, chr17:8,228,597, plus strand): 5'-CTCAAAAGAAAGCACAATAGGACGGAGGACAGAGGGGCTAGTACAAAGTGTCCAGAGGAA[C>T]ATGGTCATGGGCTCGTCAACCCTGGCTGAAGACTAGAAAGAGAAGGTCAAGGTTAACTGG-3'
Protein context (NP_079375.3, residues 1130-1150): SSARVDEPMT[Met1140Ile]FLWTLCTSPS

ClinVar aggregate classification (germline): Uncertain significance. Review status: criteria provided, multiple submitters, no conflicts (2 of 4 stars). 2 submissions from 2 submitters: Uncertain significance (2). Last evaluated 2025-05-23.

Conditions:
Inborn genetic diseases. Identifiers: MedGen C0950123, MeSH D030342.
Dyskeratosis congenita. Identifiers: Orphanet 1775, MedGen C0265965, MONDO:0015780.

Allele frequency attached by ClinVar (database versions not stated): gnomAD 0.00001 and 0.00002; gnomAD exomes 0.00001 and 0.00002; TOPMed 0.00001; ExAC 0.00002; 1000 Genomes Project 30x 0.00016; 1000 Genomes Project 0.00020.

Submissions (2):

Ambry Genetics
Classification: Uncertain significance for Inborn genetic diseases. Last evaluated: 2025-05-23. Review status: criteria provided, single submitter. Criteria: Ambry Variant Classification Scheme 2023. Collection method: clinical testing. Allele origin: germline.

Labcorp Genetics (formerly Invitae), Labcorp
Classification: Uncertain significance for Dyskeratosis congenita. Last evaluated: 2024-09-01. Review status: criteria provided, single submitter. Criteria: Invitae Variant Classification Sherloc (09022015). Collection method: clinical testing. Allele origin: germline.
Comment: This sequence change replaces methionine, which is neutral and non-polar, with isoleucine, which is neutral and non-polar, at codon 1140 of the CTC1 protein (p.Met1140Ile). This variant is present in population databases (rs554183453, gnomAD 0.003%). This variant has not been reported in the literature in individuals affected with CTC1-related conditions. ClinVar contains an entry for this variant (Variation ID: 844488). An algorithm developed to predict the effect of missense changes on protein structure and function (PolyPhen-2) suggests that this variant is likely to be tolerated. In summary, the available evidence is currently insufficient to determine the role of this variant in disease. Therefore, it has been classified as a Variant of Uncertain Significance.